The following is an entry in ClinVar:

NM_004655.4(AXIN2):c.512T>C (p.Phe171Ser)

Gene: AXIN2 (axin 2; minus strand). Cytogenetic location: 17q24.1.
Variant type: single nucleotide variant.
Coding change: c.512T>C on transcript NM_004655.4 (MANE Select); coding-DNA position 512, T replaced by C.
Protein change: p.Phe171Ser; replaces phenylalanine 171 with serine.
Molecular consequence: missense variant.
Genome position (GRCh38, 1-based): chr17:65,558,109, A>G on the plus strand (T>C on the coding strand, the complement: AXIN2 is on the minus strand). VCF-style: chr17-65558109-A-G. GRCh37 (hg19) VCF-style: chr17-63554227-A-G.
Other names: c.512T>C, p.Phe171Ser (NM_001363813.1); short protein forms F171S.
Identifiers: ClinVar variation 4188540 (VCV004188540.1).

ClinVar aggregate classification (germline): Uncertain significance (1 of 4 stars; one submission).

Conditions:
Hereditary cancer-predisposing syndrome. Also called: Neoplastic Syndromes, Hereditary; Tumor predisposition; Hereditary Cancer Syndrome; Hereditary neoplastic syndrome. Identifiers: Orphanet 140162, MedGen C0027672, MeSH D009386, MONDO:0015356.

Submission:

Ambry Genetics
Classification: Uncertain significance for Hereditary cancer-predisposing syndrome. Last evaluated: 2025-09-01. Review status: criteria provided, single submitter. Criteria: Ambry Variant Classification Scheme 2023. Collection method: clinical testing. Allele origin: germline.
Comment: The p.F171S variant (also known as c.512T>C), located in coding exon 1 of the AXIN2 gene, results from a T to C substitution at nucleotide position 512. The phenylalanine at codon 171 is replaced by serine, an amino acid with highly dissimilar properties. This amino acid position is conserved. In addition, this alteration is predicted to be deleterious by in silico analysis. Based on the available evidence, the clinical significance of this variant remains unclear.